The following is an entry in ClinVar:

NM_001042492.3(NF1):c.6915T>C (p.Leu2305=)

Gene: NF1 (neurofibromin 1; plus strand). Cytogenetic location: 17q11.2.
Variant type: single nucleotide variant.
Coding change: c.6915T>C on transcript NM_001042492.3 (MANE Select); coding-DNA position 6915, T replaced by C.
Protein change: p.Leu2305=; no amino-acid change (leucine 2305 retained).
Molecular consequence: synonymous variant.
Genome position (GRCh38, 1-based): chr17:31,338,799, T>C. VCF-style: chr17-31338799-T-C. GRCh37 (hg19) VCF-style: chr17-29665817-T-C.
Other names: c.6852T>C, p.Leu2284= (NM_000267.4).
Identifiers: ClinVar variation 1755804 (VCV001755804.8), dbSNP rs2069745818, ClinGen allele CA499234382.
Genomic context (GRCh38, chr17:31,338,799, plus strand): 5'-CAACAGTCAAGTTCTGATAGAAGCTACAGTAATAGCACTAACCAAATTACAGCCACTTCT[T>C]AATAAGGTAATTACTGTATAGAAAATGAGTGCATTCATTTTGGGTATCAGTGTTGAATGT-3'
Protein context (NP_001035957.1, residues 2295-2315): VIALTKLQPL[Leu2305=]NKDSPLHKAL

ClinVar aggregate classification (germline): Benign/Likely benign. Review status: criteria provided, multiple submitters, no conflicts (2 of 4 stars). 3 submissions from 3 submitters: Benign (1); Likely benign (2). Last evaluated 2026-05-21.

Conditions:
Hereditary cancer-predisposing syndrome. Also called: Neoplastic Syndromes, Hereditary; Tumor predisposition; Hereditary neoplastic syndrome; Hereditary Cancer Syndrome. Identifiers: Orphanet 140162, MedGen C0027672, MeSH D009386, MONDO:0015356.
Cardiovascular phenotype. Identifiers: MedGen CN230736.
Neurofibromatosis, type 1 (NF1). Also called: Neurofibromatosis, type I; NEUROFIBROMATOSIS, TYPE I, SOMATIC; Peripheral type neurofibromatosis; VON RECKLINGHAUSEN DISEASE. Identifiers: Orphanet 636, MedGen C0027831, MONDO:0018975, OMIM 162200. Disease mechanism: loss of function.

Allele frequency attached by ClinVar (database versions not stated): gnomAD 0.00001.
gnomAD v4.1: 2 of 1,594,950 alleles (0.00013%); highest among the groups gnomAD compares: African/African-American, 0.0027%; no homozygotes.

Submissions (3):

Myriad Genetics, Inc.
Classification: Benign for Neurofibromatosis, type 1. Last evaluated: 2026-05-21. Review status: criteria provided, single submitter. Criteria: Myriad Autosomal Dominant, Autosomal Recessive and X-Linked Classification Criteria (2023). Collection method: clinical testing. Allele origin: unknown.
Comment: This variant is considered benign. This variant is a silent/synonymous amino acid change and it is not expected to impact splicing.

Labcorp Genetics (formerly Invitae), Labcorp
Classification: Likely benign for Neurofibromatosis, type 1. Last evaluated: 2023-10-20. Review status: criteria provided, single submitter. Criteria: Invitae Variant Classification Sherloc (09022015). Collection method: clinical testing. Allele origin: germline.

Ambry Genetics
Classification: Likely benign for Cardiovascular phenotype; Hereditary cancer-predisposing syndrome. Last evaluated: 2020-02-27. Review status: criteria provided, single submitter. Criteria: Ambry Variant Classification Scheme 2023. Collection method: clinical testing. Allele origin: germline.